The following is an entry in ClinVar:

NM_001127222.2(CACNA1A):c.1555+259G>A

Gene: CACNA1A (calcium voltage-gated channel subunit alpha1 A; minus strand). Cytogenetic location: 19p13.13.
Variant type: single nucleotide variant.
Coding change: c.1555+259G>A on transcript NM_001127222.2 (MANE Select); 259 bases into the intron after coding-DNA position 1555, G replaced by A.
Molecular consequence: intron variant.
Genome position (GRCh38, 1-based): chr19:13,316,853, C>T on the plus strand (G>A on the coding strand, the complement: CACNA1A is on the minus strand). VCF-style: chr19-13316853-C-T. GRCh37 (hg19) VCF-style: chr19-13427667-C-T.
Other names: c.1558+259G>A (NM_001127221.2, NM_001174080.2, NM_000068.4 and 1 more transcripts).
Identifiers: ClinVar variation 668047 (VCV000668047.1), dbSNP rs2292034, ClinGen allele CA14741392.

ClinVar aggregate classification (germline): Benign (1 of 4 stars; one submission).

Allele frequency attached by ClinVar (database versions not stated): gnomAD exomes 0.24793; gnomAD 0.29215 and 0.29356; TOPMed 0.30470; 1000 Genomes Project 0.35044; 1000 Genomes Project 30x 0.35259.
gnomAD v4.1: 98,696 of 369,440 alleles (27%); highest among the groups gnomAD compares: East Asian, 44%; 14,682 homozygotes.

Submission:

GeneDx
Classification: Benign. Last evaluated: 2018-06-18. Review status: criteria provided, single submitter. Criteria: GeneDx Variant Classification (06012015). Collection method: clinical testing. Allele origin: germline. Affected: yes.
Comment: This variant is considered likely benign or benign based on one or more of the following criteria: it is a conservative change, it occurs at a poorly conserved position in the protein, it is predicted to be benign by multiple in silico algorithms, and/or has population frequency not consistent with disease.